The following is an entry in ClinVar:

NM_001099289.3(SH3RF3):c.535C>T (p.Arg179Trp)

Genes: RANBP2 (RAN binding protein 2; plus strand), SH3RF3 (SH3 domain containing ring finger 3; plus strand), SH3RF3-AS1 (SH3RF3 antisense RNA 1; minus strand). Cytogenetic location: 2q13.
Variant type: single nucleotide variant.
Coding change: c.535C>T on transcript NM_001099289.3 (MANE Select); coding-DNA position 535, C replaced by T.
Protein change: p.Arg179Trp; replaces arginine 179 with tryptophan.
Molecular consequence: missense variant. On other transcripts: non-coding transcript variant (1).
Genome position (GRCh38, 1-based): chr2:109,130,075, C>T. VCF-style: chr2-109130075-C-T. GRCh37 (hg19) VCF-style: chr2-109746531-C-T.
Other names: short protein forms R179W.
Identifiers: ClinVar variation 3161423 (VCV003161423.1), dbSNP rs2471092233, ClinGen allele CA348118911.
Genomic context (GRCh38, chr2:109,130,075, plus strand): 5'-AGCACCCCGGGTTCCCCGGTTTTCCTCTCCGCGGCCGCGGGCAGCACCGCCGGCAGTCTG[C>T]GGGAGCTGGCGACCAGCAGGACCGCGCCGGCGGCAAAGGTGAGTATCTGTCTCGGCGGAA-3'
Protein context (NP_001092759.1, residues 169-189): AAAGSTAGSL[Arg179Trp]ELATSRTAPA

ClinVar aggregate classification (germline): Uncertain significance (1 of 4 stars; one submission).

Allele frequency attached by ClinVar (database versions not stated): gnomAD exomes below 0.00001.
gnomAD v4.1: 4 of 1,365,306 alleles (0.00029%); highest among the groups gnomAD compares: South Asian, 0.0017%; no homozygotes.

Submission:

Ambry Genetics
Classification: Uncertain significance. Last evaluated: 2023-12-21. Review status: criteria provided, single submitter. Criteria: Ambry Variant Classification Scheme 2023. Collection method: clinical testing. Allele origin: germline.
Comment: The c.535C>T (p.R179W) alteration is located in exon (coding exon ) of the SH3RF3 gene. This alteration results from a C to T substitution at nucleotide position 535, causing the arginine (R) at amino acid position 179 to be replaced by a tryptophan (W). Based on insufficient or conflicting evidence, the clinical significance of this alteration remains unclear.